The following is an entry in ClinVar:

ClinVar aggregate classification (germline): Conflicting classifications of pathogenicity. Review status: criteria provided, conflicting classifications (1 of 4 stars). 4 submissions from 4 submitters: Uncertain significance (1); Likely benign (3). Last evaluated 2026-02-06.

Conditions:
RAD51C-related disorder. Also called: RAD51C-related condition; RAD51C-related disorders.
Hereditary cancer-predisposing syndrome. Also called: Neoplastic Syndromes, Hereditary; Hereditary Cancer Syndrome; Tumor predisposition; Hereditary neoplastic syndrome. Identifiers: Orphanet 140162, MedGen C0027672, MeSH D009386, MONDO:0015356.
Breast-ovarian cancer, familial, susceptibility to, 3. Also called: RAD51C-Related Breast/Ovarian Cancer. Identifiers: Orphanet 145, MedGen C3150659, MONDO:0013253, OMIM 613399.

Allele frequency attached by ClinVar (database versions not stated): TOPMed below 0.00001.

Submissions (4):

PreventionGenetics, part of Exact Sciences
Classification: Likely benign for RAD51C-related condition. Last evaluated: 2026-02-06. Review status: criteria provided, single submitter. Criteria: ACMG Guidelines, 2015. Collection method: clinical testing. Allele origin: germline.
Comment: This variant is classified as likely benign based on ACMG/AMP sequence variant interpretation guidelines (Richards et al. 2015 PMID: 25741868, with internal and published modifications).

Myriad Genetics, Inc.
Classification: Likely benign for Breast-ovarian cancer, familial, susceptibility to, 3. Last evaluated: 2025-02-19. Review status: criteria provided, single submitter. Criteria: Myriad Autosomal Dominant, Autosomal Recessive and X-Linked Classification Criteria (2023). Collection method: clinical testing. Allele origin: unknown.
Comment: This variant is considered likely benign. This variant is intronic and is not expected to impact mRNA splicing.

Ambry Genetics
Classification: Uncertain significance for Hereditary cancer-predisposing syndrome. Last evaluated: 2024-07-04. Review status: criteria provided, single submitter. Criteria: Ambry Variant Classification Scheme 2023. Collection method: clinical testing. Allele origin: germline.
Comment: The c.838-5T>C intronic variant results from a T to C substitution 5 nucleotides upstream from coding exon 6 in the RAD51C gene. This nucleotide position is well conserved in available vertebrate species. In silico splice site analysis predicts that this alteration will not have any significant effect on splicing. Based on the available evidence, the clinical significance of this variant remains unclear.

Color Diagnostics, LLC DBA Color Health
Classification: Likely benign for Hereditary cancer-predisposing syndrome. Last evaluated: 2016-12-06. Review status: criteria provided, single submitter. Criteria: ACMG Guidelines, 2015. Collection method: clinical testing. Allele origin: germline.

NM_058216.3(RAD51C):c.838-5T>C

Gene: RAD51C (RAD51 paralog C; plus strand). Cytogenetic location: 17q22.
Variant type: single nucleotide variant.
Coding change: c.838-5T>C on transcript NM_058216.3 (MANE Select); 5 bases into the intron before coding-DNA position 838, T replaced by C.
Molecular consequence: intron variant.
Genome position (GRCh38, 1-based): chr17:58,720,741, T>C. VCF-style: chr17-58720741-T-C. GRCh37 (hg19) VCF-style: chr17-56798102-T-C.
Identifiers: ClinVar variation 492386 (VCV000492386.11), dbSNP rs975635861, ClinGen allele CA292067684.